The following is an entry in ClinVar:

NM_001365276.2(TNXB):c.2780-1218C>T

Gene: TNXB (tenascin XB; minus strand). Cytogenetic location: 6p21.33.
Variant type: single nucleotide variant.
Coding change: c.2780-1218C>T on transcript NM_001365276.2 (MANE Select); 1218 bases into the intron before coding-DNA position 2780, C replaced by T.
Molecular consequence: intron variant.
Genome position (GRCh38, 1-based): chr6:32,087,336, G>A on the plus strand (C>T on the coding strand, the complement: TNXB is on the minus strand). VCF-style: chr6-32087336-G-A. GRCh37 (hg19) VCF-style: chr6-32055113-G-A.
Other names: c.2780-1218C>T (NM_019105.8).
Identifiers: ClinVar variation 1695157 (VCV001695157.31), dbSNP rs1276567561, ClinGen allele CA566695443.

ClinVar aggregate classification (germline): Likely benign (1 of 4 stars; one submission).

Allele frequency attached by ClinVar (database versions not stated): gnomAD exomes 0.00001 and 0.00002; TOPMed 0.00002; gnomAD 0.00003.
gnomAD v4.1: 9 of 486,210 alleles (0.0019%); highest among the groups gnomAD compares: Non-Finnish European, 0.0037%; no homozygotes.

Submission:

CeGaT Center for Human Genetics Tuebingen
Classification: Likely benign. Last evaluated: 2022-04-01. Review status: criteria provided, single submitter. Criteria: CeGaT Center For Human Genetics Tuebingen Variant Classification Criteria Version 2. Collection method: clinical testing. Allele origin: germline. Affected: yes. Observed: 1 variant allele.
Comment: TNXB: BP4, BP7